The following is an entry in ClinVar:

NM_000232.5(SGCB):c.*3043A>G

Gene: SGCB (sarcoglycan beta; minus strand). Cytogenetic location: 4q12.
Variant type: single nucleotide variant.
Coding change: c.*3043A>G on transcript NM_000232.5 (MANE Select); 3043 bases downstream of the stop codon, A replaced by G.
Molecular consequence: 3 prime UTR variant.
Genome position (GRCh38, 1-based): chr4:52,020,914, T>C on the plus strand (A>G on the coding strand, the complement: SGCB is on the minus strand). VCF-style: chr4-52020914-T-C. GRCh37 (hg19) VCF-style: chr4-52887080-T-C.
Identifiers: ClinVar variation 902044 (VCV000902044.6), dbSNP rs73246100, ClinGen allele CA96772381.

ClinVar aggregate classification (germline): Benign. Review status: reviewed by expert panel (3 of 4 stars). 3 submissions from 3 submitters: Benign (1). 2 of the submissions do not count toward it. Last evaluated 2025-01-08.

Conditions:
Qualitative or quantitative defects of beta-sarcoglycan. Identifiers: MONDO:0016142, Orphanet 207063, MedGen C2930900.
Autosomal recessive limb-girdle muscular dystrophy. Identifiers: Orphanet 102015, MedGen C2931907, MONDO:0015152.

Allele frequency attached by ClinVar (database versions not stated): 1000 Genomes Project 0.00200; 1000 Genomes Project 30x 0.00203; gnomAD exomes 0.00284; gnomAD 0.00435 and 0.00437; TOPMed 0.00437.
gnomAD v4.1: 670 of 152,682 alleles (0.44%); highest among the groups gnomAD compares: Middle Eastern, 2%; 6 homozygotes.

Submissions (3):

ClinGen Limb Girdle Muscular Dystrophy Variant Curation Expert Panel, ClinGen
Classification: Benign for Autosomal recessive limb-girdle muscular dystrophy. Last evaluated: 2025-01-08. Review status: reviewed by expert panel. Criteria: ClinGen LGMD VCEP ACMG Specifications SGCB V1.0.0. Collection method: curation. Allele origin: germline. Inheritance: Autosomal recessive inheritance.
Comment: The NM_000232.5: c.*3043A>G variant is located in the 3’UTR of SGCB. Because the variant is located in the 3’UTR, it is not expected to alter the amino acid sequence. The filtering allele frequency of this variant is 0.006250 (the lower threshold of the 95% CI of 460/68042 genome chromosomes) in the European (non-Finnish) population in gnomAD v3.1.2, which is higher than the LGMD VCEP threshold (0.002) for BA1, meeting this criterion (BA1). The computational splicing predictor SpliceAI gives a score of 0.00 for donor and acceptor loss, suggesting that the variant has no impact on splicing (BP4, BP7). In summary, this variant meets the criteria to be classified as Benign for autosomal recessive limb girdle muscular dystrophy based on the ACMG/AMP criteria applied, as specified by the ClinGen LGMD VCEP (LGMD VCEP specifications version 1.0.0; 01/08/2025): BA1, BP4, BP7.

Illumina Laboratory Services, Illumina
Classification: Likely benign for Qualitative or quantitative defects of beta-sarcoglycan. Last evaluated: 2018-01-13. Review status: criteria provided, single submitter. Criteria: ICSL Variant Classification Criteria 13 December 2019. Collection method: clinical testing. Allele origin: germline. Not counted in ClinVar's aggregate classification.
Comment: This variant was observed in the ICSL laboratory as part of a predisposition screen in an ostensibly healthy population. It had not been previously curated by ICSL or reported in the Human Gene Mutation Database (HGMD: prior to June 1st, 2018), and was therefore a candidate for classification through an automated scoring system. Utilizing variant allele frequency, disease prevalence and penetrance estimates, and inheritance mode, an automated score was calculated to assess if this variant is too frequent to cause the disease. Based on the score and internal cut-off values, a variant classified as likely benign is not then subjected to further curation. The score for this variant resulted in a classification of likely benign for this disease.

Breakthrough Genomics
Classification: Likely benign. Review status: criteria provided, single submitter. Criteria: ACMG Guidelines, 2015. Collection method: not provided. Allele origin: germline. Inheritance: Autosomal recessive inheritance. Affected: yes. Not counted in ClinVar's aggregate classification.